The following is an entry in ClinVar:

ClinVar aggregate classification (germline): Uncertain significance (1 of 4 stars; one submission).

Conditions:
Familial hypocalciuric hypercalcemia (FHH). Also called: Familial benign hypercalcemia. Identifiers: Orphanet 405, MedGen C1809471, MONDO:0018458.
Autosomal dominant hypocalcemia 1 (HYPOC1). Also called: HYPOCALCEMIA, FAMILIAL. Identifiers: MedGen C3715128, MONDO:0011013, OMIM 601198.

Allele frequency attached by ClinVar (database versions not stated): gnomAD exomes below 0.00001.
gnomAD v4.1: 2 of 1,613,168 alleles (0.00012%); highest among the groups gnomAD compares: Non-Finnish European, 0.00017%; no homozygotes.

Submission:

Labcorp Genetics (formerly Invitae), Labcorp
Classification: Uncertain significance for Familial hypocalciuric hypercalcemia; Autosomal dominant hypocalcemia 1. Last evaluated: 2023-11-17. Review status: criteria provided, single submitter. Criteria: Invitae Variant Classification Sherloc (09022015). Collection method: clinical testing. Allele origin: germline.
Comment: This sequence change replaces lysine, which is basic and polar, with asparagine, which is neutral and polar, at codon 527 of the CASR protein (p.Lys527Asn). This variant is not present in population databases (gnomAD no frequency). This variant has not been reported in the literature in individuals affected with CASR-related conditions. ClinVar contains an entry for this variant (Variation ID: 532585). An algorithm developed to predict the effect of missense changes on protein structure and function (PolyPhen-2) suggests that this variant is likely to be tolerated. In summary, the available evidence is currently insufficient to determine the role of this variant in disease. Therefore, it has been classified as a Variant of Uncertain Significance.

NM_000388.4(CASR):c.1581A>T (p.Lys527Asn)

Gene: CASR (calcium sensing receptor; plus strand). Cytogenetic location: 3q21.1.
Variant type: single nucleotide variant.
Coding change: c.1581A>T on transcript NM_000388.4 (MANE Select); coding-DNA position 1581, A replaced by T.
Protein change: p.Lys527Asn; replaces lysine 527 with asparagine.
Molecular consequence: missense variant.
Genome position (GRCh38, 1-based): chr3:122,276,015, A>T. VCF-style: chr3-122276015-A-T. GRCh37 (hg19) VCF-style: chr3-121994862-A-T.
Other names: c.1581A>T, p.Lys527Asn (NM_001178065.2); short protein forms K527N.
Identifiers: ClinVar variation 532585 (VCV000532585.11), dbSNP rs1553768128, ClinGen allele CA354155530.